The following is an entry in ClinVar:

ClinVar aggregate classification (germline): Likely pathogenic (1 of 4 stars; one submission).

Conditions:
Hereditary nonpolyposis colorectal neoplasms. Identifiers: MedGen C0009405, MeSH D003123.

Submission:

Labcorp Genetics (formerly Invitae), Labcorp
Classification: Likely pathogenic for Hereditary nonpolyposis colorectal neoplasms. Last evaluated: 2018-07-17. Review status: criteria provided, single submitter. Criteria: Invitae Variant Classification Sherloc (09022015). Collection method: clinical testing. Allele origin: unknown.
Comment: For these reasons, this variant has been classified as Likely Pathogenic. Loss-of-function variants in MSH6 are known to be pathogenic (PMID: 18269114, 24362816). This variant has not been reported in the literature in individuals with MSH6-related disease. This variant is a gross deletion of the genomic region encompassing part of exon 1 and part of intron 1 (c.136_260+1875del) of the MSH6 gene.¬†It is expected to disrupt RNA splicing and likely results in an absent or disrupted protein product.

Literature cited by the submitters: PubMed 18269114; PubMed 24362816.

NC_000002.11:g.(?_48010508)_(48012507_?)del

Gene: MSH6 (mutS homolog 6; plus strand). Cytogenetic location: 2p16.3.
Variant type: Deletion.
Identifiers: ClinVar variation 3247081 (VCV003247081.1).